The following is an entry in ClinVar:

ClinVar aggregate classification (germline): Uncertain significance (1 of 4 stars; one submission).

Conditions:
Norman-Roberts syndrome (LIS2). Also called: Lissencephaly 2 (Norman-Roberts type). Identifiers: Orphanet 89844, MedGen C0796089, MONDO:0009760, OMIM 257320.
Familial temporal lobe epilepsy 7. Identifiers: Orphanet 101046, MedGen C4225327, MONDO:0014639, OMIM 616436.

Allele frequency attached by ClinVar (database versions not stated): gnomAD below 0.00001 and 0.00001; gnomAD exomes below 0.00001 and 0.00001; ExAC 0.00002.
gnomAD v4.1: 8 of 1,613,678 alleles (0.0005%); highest among the groups gnomAD compares: South Asian, 0.0055%; no homozygotes.

Submission:

Labcorp Genetics (formerly Invitae), Labcorp
Classification: Uncertain significance for Familial temporal lobe epilepsy 7; Norman-Roberts syndrome. Last evaluated: 2022-08-16. Review status: criteria provided, single submitter. Criteria: Invitae Variant Classification Sherloc (09022015). Collection method: clinical testing. Allele origin: germline.
Comment: This variant has not been reported in the literature in individuals affected with RELN-related conditions. This variant is present in population databases (rs778716913, gnomAD 0.003%). This sequence change replaces isoleucine, which is neutral and non-polar, with leucine, which is neutral and non-polar, at codon 1047 of the RELN protein (p.Ile1047Leu). ClinVar contains an entry for this variant (Variation ID: 1043160). In summary, the available evidence is currently insufficient to determine the role of this variant in disease. Therefore, it has been classified as a Variant of Uncertain Significance. Algorithms developed to predict the effect of missense changes on protein structure and function output the following: SIFT: "Tolerated"; PolyPhen-2: "Benign"; Align-GVGD: "Class C0". The leucine amino acid residue is found in multiple mammalian species, which suggests that this missense change does not adversely affect protein function.

NM_005045.4(RELN):c.3139A>C (p.Ile1047Leu)

Gene: RELN (reelin; minus strand). Cytogenetic location: 7q22.1.
Variant type: single nucleotide variant.
Coding change: c.3139A>C on transcript NM_005045.4 (MANE Select); coding-DNA position 3139, A replaced by C.
Protein change: p.Ile1047Leu; replaces isoleucine 1047 with leucine.
Molecular consequence: missense variant.
Genome position (GRCh38, 1-based): chr7:103,604,353, T>G on the plus strand (A>C on the coding strand, the complement: RELN is on the minus strand). VCF-style: chr7-103604353-T-G. GRCh37 (hg19) VCF-style: chr7-103244800-T-G.
Other names: c.3139A>C, p.Ile1047Leu (NM_173054.3); short protein forms I1047L.
Identifiers: ClinVar variation 1043160 (VCV001043160.8), dbSNP rs778716913, ClinGen allele CA4421845.
Genomic context (GRCh38, chr7:103,604,353, plus strand): 5'-CAGCCACAAATCTTGAGAAGCATGGACCTCATCGTGCTTTCTGGTGCACATACCTGCATA[T>G]GCCATGATCGCATGAGCCATGCCCACTGCACATGTTGGGGCACTGCTGCCCAATGTAAAT-3'
Protein context (NP_005036.2, residues 1037-1057): CSGHGSCDHG[Ile1047Leu]CRCDQGYQGT